The following is an entry in ClinVar:

NM_007294.4(BRCA1):c.3108del (p.Phe1036fs)

Gene: BRCA1 (BRCA1 DNA repair associated; minus strand). Cytogenetic location: 17q21.31.
Variant type: Deletion.
Coding change: c.3108del on transcript NM_007294.4 (MANE Select); coding-DNA position 3108, one base deleted (T; older notation c.3108delT).
Protein change: p.Phe1036fs; shifts the reading frame from phenylalanine 1036.
Molecular consequence: frameshift variant. On other transcripts: intron variant (137).
Genome position (GRCh38, 1-based): chr17:43,092,423, A deleted on the plus strand (T on the coding strand, the reverse complement: BRCA1 is on the minus strand); the first of 5 consecutive A bases (chr17:43,092,423-43,092,427); deleting any one gives the same sequence. VCF-style (leftmost placement, unchanged base first): chr17-43092422-TA-T. GRCh37 (hg19) VCF-style: chr17-41244439-TA-T.
Other names: 3227delT; NP_009225.1:p.Phe1036LeufsTer12; c.3108delT (NM_007294.3); c.2895del, p.Phe965fs (NM_001407571.1, NM_001407853.1, NM_001407894.1 and 9 more transcripts); c.3108del, p.Phe1036fs (NM_001407581.1, NM_001407582.1, NM_001407583.1 and 30 more transcripts); c.3105del, p.Phe1035fs (NM_001407587.1, NM_001407590.1, NM_001407591.1 and 22 more transcripts); c.3099del, p.Phe1033fs (NM_001407646.1, NM_001407647.1); c.2985del, p.Phe995fs (NM_001407648.1, NM_001407664.1, NM_001407665.1 and 19 more transcripts); and 45 more; short protein forms F1036fs, F989fs, F1010fs, F1035fs, F924fs, F988fs, F994fs, F740fs.
Identifiers: ClinVar variation 54771 (VCV000054771.42), dbSNP rs80357841, ClinGen allele CA002034.
Genomic context (GRCh38, chr17:43,092,422, plus strand): 5'-TGGAGCCCACTTCATTAGTACTGGAACCTACTTCATTAATATTGCTTGAGCTGGCTTCTT[TA>T]AAAACATTTTCTCTAATGTTATTACGGCTAATTGTGCTCACTGTACTTGGAATGTTCTCA-3'

ClinVar aggregate classification (germline): Pathogenic. Review status: reviewed by expert panel (3 of 4 stars). 9 submissions from 9 submitters: Pathogenic (1). 8 of the submissions do not count toward it. Last evaluated 2016-09-08.

Conditions:
Hereditary cancer-predisposing syndrome. Also called: Tumor predisposition; Neoplastic Syndromes, Hereditary; Hereditary Cancer Syndrome; Hereditary neoplastic syndrome. Identifiers: Orphanet 140162, MedGen C0027672, MeSH D009386, MONDO:0015356.
Hereditary breast ovarian cancer syndrome. Also called: Hereditary breast and ovarian cancer syndrome (HBOC); Hereditary breast and ovarian cancer syndrome; Hereditary breast and ovarian cancer; Hereditary breast and/or ovarian cancer syndrome; Breast and ovarian cancer; BRCA1- and BRCA2-Associated Hereditary Breast and Ovarian Cancer. Identifiers: Orphanet 145, MedGen C0677776, MeSH D061325, MONDO:0003582. Disease mechanism: loss of function.
Breast-ovarian cancer, familial, susceptibility to, 1 (BROVCA1). Also called: OVARIAN CANCER, SUSCEPTIBILITY TO; BRCA1 Hereditary Breast and Ovarian Cancer. Identifiers: Orphanet 145, MedGen C2676676, MONDO:0011450, OMIM 604370. Disease mechanism: loss of function.

Submissions (9):

Evidence-based Network for the Interpretation of Germline Mutant Alleles (ENIGMA)
Classification: Pathogenic for Breast-ovarian cancer, familial, susceptibility to, 1. Last evaluated: 2016-09-08. Review status: reviewed by expert panel. Criteria: ENIGMA BRCA1/2 Classification Criteria (2015). Collection method: curation. Allele origin: germline.
Comment: Variant allele predicted to encode a truncated non-functional protein.

Women's Health and Genetics/Laboratory Corporation of America, LabCorp
Classification: Pathogenic for Hereditary breast ovarian cancer syndrome. Last evaluated: 2025-02-16. Review status: criteria provided, single submitter. Criteria: LabCorp Variant Classification Summary - May 2015. Collection method: clinical testing. Allele origin: germline. Not counted in ClinVar's aggregate classification.
Comment: Variant summary: BRCA1 c.3108delT (p.Phe1036LeufsX12) results in a premature termination codon, predicted to cause a truncation of the encoded protein or absence of the protein due to nonsense mediated decay, which are commonly known mechanisms for disease. The variant was absent in 251090 control chromosomes. c.3108delT has been reported in the literature in individuals affected with Hereditary Breast And Ovarian Cancer Syndrome (e.g. Pal_2001). To our knowledge, no experimental evidence demonstrating an impact on protein function has been reported. The following publication have been ascertained in the context of this evaluation (PMID: 14574011). ClinVar contains an entry for this variant (Variation ID: 54771). Based on the evidence outlined above, the variant was classified as pathogenic.

Quest Diagnostics Nichols Institute San Juan Capistrano
Classification: Pathogenic. Last evaluated: 2024-11-22. Review status: criteria provided, single submitter. Criteria: Quest Diagnostics criteria. Collection method: clinical testing. Allele origin: unknown. Not counted in ClinVar's aggregate classification.
Comment: The BRCA1 c.3108del (p.Phe1036Leufs*12) variant alters the translational reading frame of the BRCA1 mRNA and causes the premature termination of BRCA1 protein synthesis. This variant has been reported in the published literature in individuals with breast (PMID: 33646313 (2021), 27469594 (2016)), ovarian (PMID: 30078507 (2018)) and endometrial cancer (PMID: 36744932 (2023), 37149903 (2023)). This variant has not been reported in large, multi-ethnic general populations (Genome Aggregation Database). Based on the available information, this variant is classified as pathogenic.

Ambry Genetics
Classification: Pathogenic for Hereditary cancer-predisposing syndrome. Last evaluated: 2024-10-04. Review status: criteria provided, single submitter. Criteria: Ambry Variant Classification Scheme 2023. Collection method: clinical testing. Allele origin: germline. Not counted in ClinVar's aggregate classification.
Comment: The c.3108delT pathogenic mutation, located in coding exon 9 of the BRCA1 gene, results from a deletion of one nucleotide at nucleotide position 3108, causing a translational frameshift with a predicted alternate stop codon (p.F1036Lfs*12). This alteration has been identified in individuals diagnosed with breast and/or ovarian cancer and in an individual diagnosed with breast and thyroid cancer (Pal T et al. Fam. Cancer, 2001;1:17-24; Donenberg T et al. Breast Cancer Res. Treat., 2016 08;159:131-8; Li A et al. Gynecol. Oncol., 2018 10;151:145-152). Of note, this alteration is also designated as 3227delT in published literature. In addition to the clinical data presented in the literature, this alteration is expected to result in loss of function by premature protein truncation or nonsense-mediated mRNA decay. As such, this alteration is interpreted as a disease-causing mutation.

Labcorp Genetics (formerly Invitae), Labcorp
Classification: Pathogenic for Hereditary breast ovarian cancer syndrome. Last evaluated: 2024-04-15. Review status: criteria provided, single submitter. Criteria: Invitae Variant Classification Sherloc (09022015). Collection method: clinical testing. Allele origin: germline. Not counted in ClinVar's aggregate classification.
Comment: This sequence change creates a premature translational stop signal (p.Phe1036Leufs*12) in the BRCA1 gene. It is expected to result in an absent or disrupted protein product. Loss-of-function variants in BRCA1 are known to be pathogenic (PMID: 20104584). This variant is not present in population databases (gnomAD no frequency). This premature translational stop signal has been observed in individual(s) with breast cancer and ovarian cancer (PMID: 14574011, 27469594, 30078507). This variant is also known as 3227delT. ClinVar contains an entry for this variant (Variation ID: 54771). For these reasons, this variant has been classified as Pathogenic.

GeneDx
Classification: Pathogenic. Last evaluated: 2024-03-19. Review status: criteria provided, single submitter. Criteria: GeneDx Variant Classification Process June 2021. Collection method: clinical testing. Allele origin: germline. Affected: yes. Not counted in ClinVar's aggregate classification.
Comment: Frameshift variant predicted to result in protein truncation [or nonsense mediated decay] in a gene for which loss of function is a known mechanism of disease; Not observed at significant frequency in large population cohorts (gnomAD); Truncating variants in this gene are considered pathogenic by a well-established clinical consortium and/or database; Also known as 3227del; This variant is associated with the following publications: (PMID: 30078507, 32377563, 37149903, 36744932, 27469594, 37528630, 14574011, 35464868, 33646313)

Baylor Genetics
Classification: Pathogenic for Breast-ovarian cancer, familial, susceptibility to, 1. Last evaluated: 2022-02-08. Review status: criteria provided, single submitter. Criteria: ACMG Guidelines, 2015. Collection method: clinical testing. Allele origin: unknown. Not counted in ClinVar's aggregate classification.

National Health Laboratory Service, Universitas Academic Hospital and University of the Free State
Classification: Pathogenic for Hereditary breast ovarian cancer syndrome. Last evaluated: 2021-11-16. Review status: criteria provided, single submitter. Criteria: ACMG Guidelines, 2015. Collection method: clinical testing. Allele origin: germline. Affected: yes. Observed: 1 variant allele. Not counted in ClinVar's aggregate classification.

Breast Cancer Information Core (BIC) (BRCA1)
Classification: Pathogenic for Breast-ovarian cancer, familial 1. Last evaluated: 2002-05-29. Review status: no assertion criteria provided. Collection method: clinical testing. Allele origin: germline. Affected: yes. Observed: 1 variant allele. Not counted in ClinVar's aggregate classification.

Literature cited by the submitters: PubMed 14574011 (cited by 3 submitters); PubMed 27469594 (cited by 3 submitters); PubMed 30078507 (cited by 3 submitters); PubMed 33646313 (cited by Quest Diagnostics Nichols Institute San Juan Capistrano); PubMed 36744932 (cited by Quest Diagnostics Nichols Institute San Juan Capistrano); PubMed 37149903 (cited by Quest Diagnostics Nichols Institute San Juan Capistrano); PubMed 20104584 (cited by Labcorp Genetics (formerly Invitae), Labcorp); DOI 10.3389/fgene.2022.834265 (cited by National Health Laboratory Service, Universitas Academic Hospital and University of the Free State).